The following is an entry in ClinVar:

ClinVar aggregate classification (germline): Benign/Likely benign. Review status: criteria provided, multiple submitters, no conflicts (2 of 4 stars). 3 submissions from 3 submitters: Benign (1); Likely benign (2). Last evaluated 2024-02-29.

Allele frequency attached by ClinVar (database versions not stated): ExAC 0.00187; ESP Exome Variant Server 0.00475; gnomAD 0.00715 and 0.00766; gnomAD exomes 0.00159 and 0.00070; TOPMed 0.00850; 1000 Genomes Project 0.01058; 1000 Genomes Project 30x 0.01218.
gnomAD v4.1: 2,109 of 1,536,348 alleles (0.14%); highest among the groups gnomAD compares: African/African-American, 2.4%; 28 homozygotes.

Submissions (3):

Mayo Clinic Laboratories, Mayo Clinic
Classification: Benign. Last evaluated: 2024-02-29. Review status: criteria provided, single submitter. Criteria: ACMG Guidelines, 2015. Collection method: clinical testing. Allele origin: germline. Observed: 10 variant alleles.
Comment: BA1, BS1, BP7

GeneDx
Classification: Likely benign. Last evaluated: 2021-10-19. Review status: criteria provided, single submitter. Criteria: GeneDx Variant Classification Process June 2021. Collection method: clinical testing. Allele origin: germline. Affected: yes.
Comment: See Variant Classification Assertion Criteria.

Breakthrough Genomics
Classification: Likely benign. Review status: criteria provided, single submitter. Criteria: ACMG Guidelines, 2015. Collection method: not provided. Allele origin: germline. Inheritance: Autosomal recessive inheritance. Affected: yes.

NM_000528.4(MAN2B1):c.1419+29G>A

Genes: MAN2B1 (mannosidase alpha class 2B member 1; minus strand), LOC129391064 (MPRA-validated peak3365 silencer; plus strand). Cytogenetic location: 19p13.13.
Variant type: single nucleotide variant.
Coding change: c.1419+29G>A on transcript NM_000528.4 (MANE Select); 29 bases into the intron after coding-DNA position 1419, G replaced by A.
Molecular consequence: intron variant.
Genome position (GRCh38, 1-based): chr19:12,657,417, C>T on the plus strand (G>A on the coding strand, the complement: MAN2B1 is on the minus strand). VCF-style: chr19-12657417-C-T. GRCh37 (hg19) VCF-style: chr19-12768231-C-T.
Other names: p.?; c.1416+29G>A (NM_001173498.2).
Identifiers: ClinVar variation 1678785 (VCV001678785.4), dbSNP rs372789337, ClinGen allele CA9226465.
Genomic context (GRCh38, chr19:12,657,417, plus strand): 5'-CTCACACCTGTCTCTGTCCCCTTTCCCAGGCCCTGGCCCCGCCCCTTCCTGTCTCCACCC[C>T]CGTGTCTCCCAAGTCTCGCCCCGCGCACCTCGCAAGGCCCCCAGCCTGCCGCAAGCTGGC-3'